The following is an entry in ClinVar:

ClinVar aggregate classification (germline): Uncertain significance (1 of 4 stars; one submission).

Submission:

Women's Health and Genetics/Laboratory Corporation of America, LabCorp
Classification: Uncertain significance. Last evaluated: 2024-07-16. Review status: criteria provided, single submitter. Criteria: LabCorp Variant Classification Summary - May 2015. Collection method: clinical testing. Allele origin: germline.
Comment: Variant summary: RMRP n.214_215ins15 alters a nucleotide in the non-coding RNA. The frequency data for this variant in gnomAD is considered unreliable, as metrics indicate poor data quality at this position. To our knowledge, no occurrence of n.214_215ins15 in individuals affected with Cartilage-Hair Hypoplasia and no experimental evidence demonstrating its impact on protein function have been reported. No submitters have cited clinical-significance assessments for this variant to ClinVar. Based on the evidence outlined above, the variant was classified as uncertain significance.

NR_003051.4(RMRP):n.215_216insTGTTTTTTGTTCCCG

Gene: RMRP (RNA component of mitochondrial RNA processing endoribonuclease; minus strand). Cytogenetic location: 9p13.3.
Variant type: Insertion.
Molecular consequence: non-coding transcript variant (on NR_003051.4).
Genome position: GRCh38 VCF-style: chr9-35657804-T-TCGGGAACAAAAAACA. GRCh37 (hg19) VCF-style: chr9-35657801-T-TCGGGAACAAAAAACA.
Identifiers: ClinVar variation 3899923 (VCV003899923.1).